The following is an entry in ClinVar:

ClinVar aggregate classification (germline): Uncertain significance. Review status: criteria provided, multiple submitters, no conflicts (2 of 4 stars). 2 submissions from 2 submitters: Uncertain significance (2). Last evaluated 2022-08-30.

Conditions:
Juvenile polyposis syndrome (JPS). Identifiers: Orphanet 2929, MedGen C0345893, MONDO:0017380, OMIM 174900.
Hereditary cancer-predisposing syndrome. Also called: Hereditary neoplastic syndrome; Neoplastic Syndromes, Hereditary; Tumor predisposition; Hereditary Cancer Syndrome. Identifiers: Orphanet 140162, MedGen C0027672, MeSH D009386, MONDO:0015356.

Submissions (2):

Ambry Genetics
Classification: Uncertain significance for Hereditary cancer-predisposing syndrome. Last evaluated: 2022-08-30. Review status: criteria provided, single submitter. Criteria: Ambry Variant Classification Scheme 2023. Collection method: clinical testing. Allele origin: germline.
Comment: The p.F146V variant (also known as c.436T>G), located in coding exon 5 of the BMPR1A gene, results from a T to G substitution at nucleotide position 436. The phenylalanine at codon 146 is replaced by valine, an amino acid with highly similar properties. This amino acid position is conserved. In addition, this alteration is predicted to be tolerated by in silico analysis. Since supporting evidence is limited at this time, the clinical significance of this alteration remains unclear.

Labcorp Genetics (formerly Invitae), Labcorp
Classification: Uncertain significance for Juvenile polyposis syndrome. Last evaluated: 2017-04-05. Review status: criteria provided, single submitter. Criteria: Invitae Variant Classification Sherloc (09022015). Collection method: clinical testing. Allele origin: germline.
Comment: Algorithms developed to predict the effect of missense changes on protein structure and function (SIFT, PolyPhen-2, Align-GVGD) all suggest that this variant is likely to be tolerated, but these predictions have not been confirmed by published functional studies. This variant is not present in population databases (ExAC no frequency) and has not been reported in the literature in individuals with a BMPR1A-related disease. This sequence change replaces phenylalanine with valine at codon 146 of the BMPR1A protein (p.Phe146Val). The phenylalanine residue is weakly conserved and there is a small physicochemical difference between phenylalanine and valine. In summary, this variant is a novel missense change that is not predicted to affect protein function. There is no indication that it causes disease, but the available evidence is currently insufficient to prove that conclusively. Therefore, it has been classified as a Variant of Uncertain Significance.

NM_004329.3(BMPR1A):c.436T>G (p.Phe146Val)

Gene: BMPR1A (bone morphogenetic protein receptor type 1A; plus strand). Cytogenetic location: 10q23.2.
Variant type: single nucleotide variant.
Coding change: c.436T>G on transcript NM_004329.3 (MANE Select); coding-DNA position 436, T replaced by G.
Protein change: p.Phe146Val; replaces phenylalanine 146 with valine.
Molecular consequence: missense variant.
Genome position (GRCh38, 1-based): chr10:86,900,032, T>G. VCF-style: chr10-86900032-T-G. GRCh37 (hg19) VCF-style: chr10-88659789-T-G.
Other names: short protein forms F146V.
Identifiers: ClinVar variation 460500 (VCV000460500.12), dbSNP rs1554889007, ClinGen allele CA377450070.